The following is an entry in ClinVar:

NM_172364.5(CACNA2D4):c.76G>T (p.Ala26Ser)

Gene: CACNA2D4 (calcium voltage-gated channel auxiliary subunit alpha2delta 4; minus strand). Cytogenetic location: 12p13.33.
Variant type: single nucleotide variant.
Coding change: c.76G>T on transcript NM_172364.5 (MANE Select); coding-DNA position 76, G replaced by T.
Protein change: p.Ala26Ser; replaces alanine 26 with serine.
Molecular consequence: missense variant.
Genome position (GRCh38, 1-based): chr12:1,918,398, C>A on the plus strand (G>T on the coding strand, the complement: CACNA2D4 is on the minus strand). VCF-style: chr12-1918398-C-A. GRCh37 (hg19) VCF-style: chr12-2027564-C-A.
Other names: short protein forms A26S.
Identifiers: ClinVar variation 1900026 (VCV001900026.5), dbSNP rs199570994, ClinGen allele CA383366306.

ClinVar aggregate classification (germline): Uncertain significance (1 of 4 stars; one submission).

gnomAD v4.1: 16 of 1,598,616 alleles (0.001%); highest among the groups gnomAD compares: South Asian, 0.009%; 1 homozygote.

Submission:

Labcorp Genetics (formerly Invitae), Labcorp
Classification: Uncertain significance. Last evaluated: 2025-07-08. Review status: criteria provided, single submitter. Criteria: Invitae Variant Classification Sherloc (09022015). Collection method: clinical testing. Allele origin: germline.
Comment: This sequence change replaces alanine, which is neutral and non-polar, with serine, which is neutral and polar, at codon 26 of the CACNA2D4 protein (p.Ala26Ser). The frequency data for this variant in the population databases is considered unreliable, as metrics indicate poor data quality at this position in the gnomAD database. This variant has not been reported in the literature in individuals affected with CACNA2D4-related conditions. ClinVar contains an entry for this variant (Variation ID: 1900026). An algorithm developed to predict the effect of missense changes on protein structure and function outputs the following: PolyPhen-2: "Benign". The serine amino acid residue is found in multiple mammalian species, which suggests that this missense change does not adversely affect protein function. Algorithms developed to predict the effect of sequence changes on RNA splicing suggest that this variant may create or strengthen a splice site. In summary, the available evidence is currently insufficient to determine the role of this variant in disease. Therefore, it has been classified as a Variant of Uncertain Significance.